The following is an entry in ClinVar:

NM_001004356.3(FGFRL1):c.316G>A (p.Gly106Ser)

Gene: FGFRL1 (fibroblast growth factor receptor like 1; plus strand). Cytogenetic location: 4p16.3.
Variant type: single nucleotide variant.
Coding change: c.316G>A on transcript NM_001004356.3 (MANE Select); coding-DNA position 316, G replaced by A.
Protein change: p.Gly106Ser; replaces glycine 106 with serine.
Molecular consequence: missense variant.
Genome position (GRCh38, 1-based): chr4:1,022,439, G>A. VCF-style: chr4-1022439-G-A. GRCh37 (hg19) VCF-style: chr4-1016227-G-A.
Other names: c.316G>A (NM_001004356.2); c.316G>A, p.Gly106Ser (NM_001004358.1, NM_001370296.1, NM_021923.3); short protein forms G106S.
Identifiers: ClinVar variation 3615785 (VCV003615785.3).
Genomic context (GRCh38, chr4:1,022,439, plus strand): 5'-GTGAAGCAGGTGGAGCGGGAGGATGCCGGCGTGTACGTGTGCAAGGCCACCAACGGCTTC[G>A]GCAGCCTGAGCGTCAACTACACCCTCGTCGTGCTGGGTTAGTCGCTGCTGCGGTCAGAGG-3'
Protein context (NP_001004356.1, residues 96-116): VYVCKATNGF[Gly106Ser]SLSVNYTLVV

ClinVar aggregate classification (germline): Uncertain significance. Review status: criteria provided, multiple submitters, no conflicts (2 of 4 stars). 2 submissions from 2 submitters: Uncertain significance (2). Last evaluated 2025-08-13.

Submissions (2):

Ambry Genetics
Classification: Uncertain significance. Last evaluated: 2025-08-13. Review status: criteria provided, single submitter. Criteria: Ambry Variant Classification Scheme 2023. Collection method: clinical testing. Allele origin: germline.

Labcorp Genetics (formerly Invitae), Labcorp
Classification: Uncertain significance. Last evaluated: 2024-07-19. Review status: criteria provided, single submitter. Criteria: Invitae Variant Classification Sherloc (09022015). Collection method: clinical testing. Allele origin: germline.
Comment: This sequence change replaces glycine, which is neutral and non-polar, with serine, which is neutral and polar, at codon 106 of the FGFRL1 protein (p.Gly106Ser). This variant is present in population databases (rs778092068, gnomAD 0.1%), and has an allele count higher than expected for a pathogenic variant. This variant has not been reported in the literature in individuals affected with FGFRL1-related conditions. An algorithm developed to predict the effect of missense changes on protein structure and function (PolyPhen-2) suggests that this variant is likely to be disruptive. In summary, the available evidence is currently insufficient to determine the role of this variant in disease. Therefore, it has been classified as a Variant of Uncertain Significance.